The following is an entry in ClinVar:

ClinVar aggregate classification (germline): Uncertain significance (1 of 4 stars; one submission).

Conditions:
Pure or complex autosomal recessive spastic paraplegia. Identifiers: Orphanet 320346, MedGen C5679887, MONDO:0017915.

Allele frequency attached by ClinVar (database versions not stated): TOPMed 0.00001; gnomAD exomes below 0.00001; ExAC 0.00001.
gnomAD v4.1: 2 of 1,613,910 alleles (0.00012%); highest among the groups gnomAD compares: Admixed American, 0.0033%; no homozygotes.

Submission:

Labcorp Genetics (formerly Invitae), Labcorp
Classification: Uncertain significance for Pure or complex autosomal recessive spastic paraplegia. Last evaluated: 2026-01-05. Review status: criteria provided, single submitter. Criteria: Invitae Variant Classification Sherloc (09022015). Collection method: clinical testing. Allele origin: germline.
Comment: This sequence change replaces tyrosine, which is neutral and polar, with cysteine, which is neutral and slightly polar, at codon 155 of the ZFR protein (p.Tyr155Cys). This variant is present in population databases (rs750469138, gnomAD 0.006%). This variant has not been reported in the literature in individuals affected with ZFR-related conditions. ClinVar contains an entry for this variant (Variation ID: 1956538). An algorithm developed to predict the effect of missense changes on protein structure and function (PolyPhen-2) suggests that this variant is likely to be disruptive. In summary, the available evidence is currently insufficient to determine the role of this variant in disease. Therefore, it has been classified as a Variant of Uncertain Significance.

NM_016107.5(ZFR):c.464A>G (p.Tyr155Cys)

Gene: ZFR (zinc finger RNA binding protein; minus strand). Cytogenetic location: 5p13.3.
Variant type: single nucleotide variant.
Coding change: c.464A>G on transcript NM_016107.5 (MANE Select); coding-DNA position 464, A replaced by G.
Protein change: p.Tyr155Cys; replaces tyrosine 155 with cysteine.
Molecular consequence: missense variant. On other transcripts: non-coding transcript variant (1).
Genome position (GRCh38, 1-based): chr5:32,417,749, T>C on the plus strand (A>G on the coding strand, the complement: ZFR is on the minus strand). VCF-style: chr5-32417749-T-C. GRCh37 (hg19) VCF-style: chr5-32417854-T-C.
Other names: short protein forms Y155C.
Identifiers: ClinVar variation 1956538 (VCV001956538.5), dbSNP rs750469138, ClinGen allele CA3222041.